The following is an entry in ClinVar:

NM_025219.3(DNAJC5):c.512T>G (p.Ile171Ser)

Gene: DNAJC5 (DnaJ heat shock protein family (Hsp40) member C5; plus strand). Cytogenetic location: 20q13.33.
Variant type: single nucleotide variant.
Coding change: c.512T>G on transcript NM_025219.3 (MANE Select); coding-DNA position 512, T replaced by G.
Protein change: p.Ile171Ser; replaces isoleucine 171 with serine.
Molecular consequence: missense variant.
Genome position (GRCh38, 1-based): chr20:63,931,483, T>G. VCF-style: chr20-63931483-T-G. GRCh37 (hg19) VCF-style: chr20-62562836-T-G.
Other names: short protein forms I171S.
Identifiers: ClinVar variation 3730768 (VCV003730768.2).

ClinVar aggregate classification (germline): Uncertain significance (1 of 4 stars; one submission).

Conditions:
Neuronal ceroid lipofuscinosis. Also called: Neuronal Ceroid Lipofuscinoses. Identifiers: Orphanet 216, Orphanet 79263, MedGen C0027877, MONDO:0016295. Disease mechanism: loss of function.

Submission:

Labcorp Genetics (formerly Invitae), Labcorp
Classification: Uncertain significance for Neuronal ceroid lipofuscinosis. Last evaluated: 2024-11-21. Review status: criteria provided, single submitter. Criteria: Invitae Variant Classification Sherloc (09022015). Collection method: clinical testing. Allele origin: germline.
Comment: This sequence change replaces isoleucine, which is neutral and non-polar, with serine, which is neutral and polar, at codon 171 of the DNAJC5 protein (p.Ile171Ser). This variant is not present in population databases (gnomAD no frequency). This variant has not been reported in the literature in individuals affected with DNAJC5-related conditions. An algorithm developed to predict the effect of missense changes on protein structure and function (PolyPhen-2) suggests that this variant is likely to be tolerated. In summary, the available evidence is currently insufficient to determine the role of this variant in disease. Therefore, it has been classified as a Variant of Uncertain Significance.